The following is an entry in ClinVar:

ClinVar aggregate classification (germline): Uncertain significance. Review status: criteria provided, multiple submitters, no conflicts (2 of 4 stars). 2 submissions from 2 submitters: Uncertain significance (2). Last evaluated 2026-09-10.

Conditions:
Inborn genetic diseases. Identifiers: MedGen C0950123, MeSH D030342.
Progressive myoclonic epilepsy type 7. Identifiers: Orphanet 435438, MedGen C4015420, MONDO:0014521, OMIM 616187.

Submissions (2):

Ambry Genetics
Classification: Uncertain significance for Inborn genetic diseases. Last evaluated: 2026-09-10. Review status: criteria provided, single submitter. Criteria: Ambry Variant Classification Scheme 2023. Collection method: clinical testing. Allele origin: germline.

Labcorp Genetics (formerly Invitae), Labcorp
Classification: Uncertain significance for Progressive myoclonic epilepsy type 7. Last evaluated: 2022-11-09. Review status: criteria provided, single submitter. Criteria: Invitae Variant Classification Sherloc (09022015). Collection method: clinical testing. Allele origin: germline.
Comment: This sequence change replaces isoleucine, which is neutral and non-polar, with valine, which is neutral and non-polar, at codon 363 of the KCNC1 protein (p.Ile363Val). This variant is not present in population databases (gnomAD no frequency). This variant has not been reported in the literature in individuals affected with KCNC1-related conditions. Advanced modeling of protein sequence and biophysical properties (such as structural, functional, and spatial information, amino acid conservation, physicochemical variation, residue mobility, and thermodynamic stability) performed at Invitae indicates that this missense variant is not expected to disrupt KCNC1 protein function. In summary, the available evidence is currently insufficient to determine the role of this variant in disease. Therefore, it has been classified as a Variant of Uncertain Significance.

NM_001112741.2(KCNC1):c.1087A>G (p.Ile363Val)

Gene: KCNC1 (potassium voltage-gated channel subfamily C member 1; plus strand). Cytogenetic location: 11p15.1.
Variant type: single nucleotide variant.
Coding change: c.1087A>G on transcript NM_001112741.2 (MANE Select); coding-DNA position 1087, A replaced by G.
Protein change: p.Ile363Val; replaces isoleucine 363 with valine.
Molecular consequence: missense variant.
Genome position (GRCh38, 1-based): chr11:17,772,181, A>G. VCF-style: chr11-17772181-A-G. GRCh37 (hg19) VCF-style: chr11-17793728-A-G.
Other names: c.1087A>G, p.Ile363Val (NM_004976.4); c.1087A>G (NM_001112741.1); short protein forms I363V.
Identifiers: ClinVar variation 2038997 (VCV002038997.5), dbSNP rs2497800570, ClinGen allele CA379808043.